The following is an entry in ClinVar:

NM_022356.4(P3H1):c.1645A>G (p.Met549Val)

Gene: P3H1 (prolyl 3-hydroxylase 1; minus strand). Cytogenetic location: 1p34.2.
Variant type: single nucleotide variant.
Coding change: c.1645A>G on transcript NM_022356.4 (MANE Select); coding-DNA position 1645, A replaced by G.
Protein change: p.Met549Val; replaces methionine 549 with valine.
Molecular consequence: missense variant.
Genome position (GRCh38, 1-based): chr1:42,750,261, T>C on the plus strand (A>G on the coding strand, the complement: P3H1 is on the minus strand). VCF-style: chr1-42750261-T-C. GRCh37 (hg19) VCF-style: chr1-43215932-T-C.
Other names: c.1645A>G, p.Met549Val (NM_001146289.2, NM_001243246.2); short protein forms M549V.
Identifiers: ClinVar variation 536811 (VCV000536811.5), dbSNP rs201036797, ClinGen allele CA801750.

ClinVar aggregate classification (germline): Uncertain significance. Review status: criteria provided, multiple submitters, no conflicts (2 of 4 stars). 2 submissions from 2 submitters: Uncertain significance (2). Last evaluated 2024-07-05.

Conditions:
Inborn genetic diseases. Identifiers: MedGen C0950123, MeSH D030342.
Osteogenesis imperfecta type 8 (OI8). Identifiers: MedGen C1970458, MONDO:0012581, OMIM 610915.

Allele frequency attached by ClinVar (database versions not stated): gnomAD 0.00001 and 0.00003; ExAC 0.00003; gnomAD exomes 0.00003 and 0.00004; TOPMed 0.00004; 1000 Genomes Project 30x 0.00016; 1000 Genomes Project 0.00020.
gnomAD v4.1: 57 of 1,613,930 alleles (0.0035%); highest among the groups gnomAD compares: East Asian, 0.098%; no homozygotes.

Submissions (2):

Ambry Genetics
Classification: Uncertain significance for Inborn genetic diseases. Last evaluated: 2024-07-05. Review status: criteria provided, single submitter. Criteria: Ambry Variant Classification Scheme 2023. Collection method: clinical testing. Allele origin: germline.

Labcorp Genetics (formerly Invitae), Labcorp
Classification: Uncertain significance for Osteogenesis imperfecta type 8. Last evaluated: 2022-07-12. Review status: criteria provided, single submitter. Criteria: Invitae Variant Classification Sherloc (09022015). Collection method: clinical testing. Allele origin: germline.
Comment: This sequence change replaces methionine, which is neutral and non-polar, with valine, which is neutral and non-polar, at codon 549 of the P3H1 protein (p.Met549Val). This variant is present in population databases (rs201036797, gnomAD 0.04%). This variant has not been reported in the literature in individuals affected with P3H1-related conditions. ClinVar contains an entry for this variant (Variation ID: 536811). Algorithms developed to predict the effect of missense changes on protein structure and function (SIFT, PolyPhen-2, Align-GVGD) all suggest that this variant is likely to be tolerated. In summary, the available evidence is currently insufficient to determine the role of this variant in disease. Therefore, it has been classified as a Variant of Uncertain Significance.